The following is an entry in ClinVar:

ClinVar aggregate classification (germline): Uncertain significance (1 of 4 stars; one submission).

Conditions:
Peutz-Jeghers syndrome (PJS). Also called: POLYPOSIS, HAMARTOMATOUS INTESTINAL; POLYPS-AND-SPOTS SYNDROME; Peutz-Jeghers polyposis; Periorificial lentiginosis syndrome. Identifiers: Orphanet 2869, MedGen C0031269, MeSH D010580, MONDO:0008280, OMIM 175200.

Submission:

All of Us Research Program, National Institutes of Health
Classification: Uncertain significance for Peutz-Jeghers syndrome. Last evaluated: 2023-05-31. Review status: criteria provided, single submitter. Criteria: ACMG Guidelines, 2015. Collection method: clinical testing. Allele origin: germline. Inheritance: Autosomal dominant inheritance. Observed: 1 variant allele, 1 heterozygote.
Comment: This study involves interpretation of variants in research participants for the purpose of population health screening. Participant phenotype was not available at the time of variant classification. Additional details can be found in publication PMID: 35346344, PMCID: PMC8962531

NM_000455.5(STK11):c.593C>G (p.Ala198Gly)

Gene: STK11 (serine/threonine kinase 11; plus strand). Cytogenetic location: 19p13.3.
Variant type: single nucleotide variant.
Coding change: c.593C>G on transcript NM_000455.5 (MANE Select); coding-DNA position 593, C replaced by G.
Protein change: p.Ala198Gly; replaces alanine 198 with glycine.
Molecular consequence: missense variant. On other transcripts: non-coding transcript variant (1).
Genome position (GRCh38, 1-based): chr19:1,220,501, C>G. VCF-style: chr19-1220501-C-G. GRCh37 (hg19) VCF-style: chr19-1220500-C-G.
Other names: c.593C>G, p.Ala198Gly (NM_001407255.1); short protein forms A198G.
Identifiers: ClinVar variation 3071404 (VCV003071404.1), dbSNP rs2145424694, ClinGen allele CA402949314.
Genomic context (GRCh38, chr19:1,220,501, plus strand): 5'-AGCCGGGGAACCTGCTGCTCACCACCGGTGGCACCCTCAAAATCTCCGACCTGGGCGTGG[C>G]CGAGGTAGGCACGTGCTAGGGGGGGCCCTGGGGCGCCCCCTCCCGGGCACTCCCTGAGGG-3'
Protein context (NP_000446.1, residues 188-208): GTLKISDLGV[Ala198Gly]EALHPFAADD